The following is an entry in ClinVar:

NM_004453.4(ETFDH):c.906T>C (p.His302=)

Gene: ETFDH (electron transfer flavoprotein dehydrogenase; plus strand). Cytogenetic location: 4q32.1.
Variant type: single nucleotide variant.
Coding change: c.906T>C on transcript NM_004453.4 (MANE Select); coding-DNA position 906, T replaced by C.
Protein change: p.His302=; no amino-acid change (histidine 302 retained).
Molecular consequence: synonymous variant.
Genome position (GRCh38, 1-based): chr4:158,697,633, T>C. VCF-style: chr4-158697633-T-C. GRCh37 (hg19) VCF-style: chr4-159618785-T-C.
Other names: c.765T>C, p.His255= (NM_001281737.2); c.723T>C, p.His241= (NM_001281738.1).
Identifiers: ClinVar variation 1639372 (VCV001639372.9), dbSNP rs2150311696, ClinGen allele CA442138340.

ClinVar aggregate classification (germline): Likely benign. Review status: criteria provided, multiple submitters, no conflicts (2 of 4 stars). 2 submissions from 2 submitters: Likely benign (2). Last evaluated 2026-08-01.

Conditions:
Multiple acyl-CoA dehydrogenase deficiency (MADD). Also called: Glutaric aciduria, type 2; Glutaric acidemia type II; GA 2; Glutaric Acidemia type 2; ETHYLMALONIC-ADIPICACIDURIA; GA II. Identifiers: Orphanet 26791, MedGen C0268596, MONDO:0009282, OMIM 231680.

gnomAD v4.1: 2 of 1,613,260 alleles (0.00012%); highest among the groups gnomAD compares: African/African-American, 0.0027%; no homozygotes.

Submissions (2):

CeGaT Center for Human Genetics Tuebingen
Classification: Likely benign. Last evaluated: 2026-08-01. Review status: criteria provided, single submitter. Criteria: CeGaT Center For Human Genetics Tuebingen Variant Classification Criteria Version 2. Collection method: clinical testing. Allele origin: germline. Affected: yes. Observed: 1 variant allele.
Comment: ETFDH: BP4, BP7

Labcorp Genetics (formerly Invitae), Labcorp
Classification: Likely benign for Multiple acyl-CoA dehydrogenase deficiency. Last evaluated: 2023-11-13. Review status: criteria provided, single submitter. Criteria: Invitae Variant Classification Sherloc (09022015). Collection method: clinical testing. Allele origin: germline.